The following is an entry in ClinVar:

ClinVar aggregate classification (germline): Uncertain significance. Review status: reviewed by expert panel (3 of 4 stars). 2 submissions from 2 submitters: Uncertain significance (1). 1 of the submissions does not count toward it. Last evaluated 2025-01-15.

Conditions:
Hereditary thrombocytopenia and hematological cancer predisposition syndrome associated with RUNX1. Also called: Familial thrombocytopenia with propensity to acute myelogenous leukemia; PLATELET DISORDER, ASPIRIN-LIKE; RUNX1 Familial Platelet Disorder with Associated Myeloid Malignancies; Familial Platelet Disorder with Propensity to Acute Myelogenous Leukemia. Identifiers: Orphanet 71290, MedGen C1832388, MeSH C563324, MONDO:0100083, OMIM 601399.
Hereditary thrombocytopenia and hematologic cancer predisposition syndrome. Identifiers: Orphanet 71290, MedGen CN281654, MONDO:0011071.

Submissions (2):

ClinGen Myeloid Malignancy Variant Curation Expert Panel
Classification: Uncertain significance for Hereditary thrombocytopenia and hematologic cancer predisposition syndrome. Last evaluated: 2025-01-15. Review status: reviewed by expert panel. Criteria: ClinGen MyeloMalig ACMG Specifications v2. Collection method: curation. Allele origin: germline. Inheritance: Autosomal dominant inheritance.
Comment: NM_001754.5(RUNX1):c.948A>C (p.Glu316Asp) is a missense variant. This variant is completely absent from all population databases with at least 20x coverage for RUNX1 (PM2_Supporting). This missense variant has a REVEL score < 0.50 (0.107) and a SpliceAI score ≤ 0.20 (0.0) (BP4). In summary, the clinical significance of this variant is uncertain. ACMG/AMP criteria applied, as specified by the Myeloid Malignancy Variant Curation Expert Panel for RUNX1: BP4, PM2_Supporting.

Labcorp Genetics (formerly Invitae), Labcorp
Classification: Uncertain significance for Hereditary thrombocytopenia and hematological cancer predisposition syndrome associated with RUNX1. Last evaluated: 2020-08-16. Review status: criteria provided, single submitter. Criteria: Invitae Variant Classification Sherloc (09022015). Collection method: clinical testing. Allele origin: germline. Not counted in ClinVar's aggregate classification.
Comment: In summary, the available evidence is currently insufficient to determine the role of this variant in disease. Therefore, it has been classified as a Variant of Uncertain Significance. Algorithms developed to predict the effect of missense changes on protein structure and function are either unavailable or do not agree on the potential impact of this missense change (SIFT: "Deleterious"; PolyPhen-2: "Benign"; Align-GVGD: "Class C0"). This variant has not been reported in the literature in individuals with RUNX1-related conditions. This variant is not present in population databases (ExAC no frequency). This sequence change replaces glutamic acid with aspartic acid at codon 316 of the RUNX1 protein (p.Glu316Asp). The glutamic acid residue is moderately conserved and there is a small physicochemical difference between glutamic acid and aspartic acid.

NM_001754.5(RUNX1):c.948A>C (p.Glu316Asp)

Gene: RUNX1 (RUNX family transcription factor 1; minus strand). Cytogenetic location: 21q22.12.
Variant type: single nucleotide variant.
Coding change: c.948A>C on transcript NM_001754.5 (MANE Select); coding-DNA position 948, A replaced by C.
Protein change: p.Glu316Asp; replaces glutamic acid 316 with aspartic acid.
Molecular consequence: missense variant.
Genome position (GRCh38, 1-based): chr21:34,799,320, T>G on the plus strand (A>C on the coding strand, the complement: RUNX1 is on the minus strand). VCF-style: chr21-34799320-T-G. GRCh37 (hg19) VCF-style: chr21-36171617-T-G.
Other names: NM_001754.5(RUNX1):c.948A>C; p.Glu316Asp; c.867A>C, p.Glu289Asp (NM_001001890.3); short protein forms E289D, E316D.
Identifiers: ClinVar variation 1010308 (VCV001010308.9), dbSNP rs2056574953, ClinGen allele CA410149600.
Genomic context (GRCh38, chr21:34,799,320, plus strand): 5'-CCCCAGCTCAGCTGCAAAGAATGTGTTTTCAAGTGGCTTACTTGAGAGTCGACTGGAAAG[T>G]TCTGCAGAGAGGGTTGTCATGCCGCTGGCACGTCCAGGTGAAATGGGCGTTGCTGGGTGC-3'
Protein context (NP_001745.2, residues 306-326): RASGMTTLSA[Glu316Asp]LSSRLSTAPD